The following is an entry in ClinVar:

ClinVar aggregate classification (germline): Uncertain significance (1 of 4 stars; one submission).

Conditions:
Inborn genetic diseases. Identifiers: MedGen C0950123, MeSH D030342.

Submission:

Ambry Genetics
Classification: Uncertain significance for Inborn genetic diseases. Last evaluated: 2025-09-07. Review status: criteria provided, single submitter. Criteria: Ambry Variant Classification Scheme 2023. Collection method: clinical testing. Allele origin: germline.
Comment: The p.L192F variant (also known as c.574C>T), located in coding exon 5 of the CEP57 gene, results from a C to T substitution at nucleotide position 574. The leucine at codon 192 is replaced by phenylalanine, an amino acid with highly similar properties. This amino acid position is conserved. In addition, this alteration is predicted to be deleterious by in silico analysis. Based on the available evidence, the clinical significance of this variant remains unclear.

NM_014679.5(CEP57):c.574C>T (p.Leu192Phe)

Gene: CEP57 (centrosomal protein 57; plus strand). Cytogenetic location: 11q21.
Variant type: single nucleotide variant.
Coding change: c.574C>T on transcript NM_014679.5 (MANE Select); coding-DNA position 574, C replaced by T.
Protein change: p.Leu192Phe; replaces leucine 192 with phenylalanine.
Molecular consequence: missense variant. On other transcripts: intron variant (7).
Genome position (GRCh38, 1-based): chr11:95,817,856, C>T. VCF-style: chr11-95817856-C-T. GRCh37 (hg19) VCF-style: chr11-95551020-C-T.
Other names: c.547C>T, p.Leu183Phe (NM_001243776.2); c.574C>T, p.Leu192Phe (NM_001243777.2, NM_001440871.1, NM_001440874.1); c.493C>T, p.Leu165Phe (NM_001363604.2, NM_001440869.1, NM_001440870.1 and 1 more transcripts); c.394C>T, p.Leu132Phe (NM_001440873.1); c.313C>T, p.Leu105Phe (NM_001440880.1); c.424-971C>T (NM_001440877.1, NM_001440878.1); c.505-971C>T (NM_001440872.1, NM_001440876.1, NM_001440879.1 and 1 more transcripts); c.325-971C>T (NM_001440881.1); short protein forms L165F, L192F, L105F, L132F, L183F.
Identifiers: ClinVar variation 4226405 (VCV004226405.1).